The following is an entry in ClinVar:

NM_001393586.1(MYO7B):c.3578C>T (p.Ala1193Val)

Gene: MYO7B (myosin VIIB; plus strand). Cytogenetic location: 2q14.3.
Variant type: single nucleotide variant.
Coding change: c.3578C>T on transcript NM_001393586.1 (MANE Select); coding-DNA position 3578, C replaced by T.
Protein change: p.Ala1193Val; replaces alanine 1193 with valine.
Molecular consequence: missense variant.
Genome position (GRCh38, 1-based): chr2:127,622,034, C>T. VCF-style: chr2-127622034-C-T. GRCh37 (hg19) VCF-style: chr2-128379609-C-T.
Other names: c.3500C>T, p.Ala1167Val (NM_001080527.2); c.59C>T, p.Ala20Val (NM_001393594.1); short protein forms A1167V, A1193V, A20V.
Identifiers: ClinVar variation 3034343 (VCV003034343.2), dbSNP rs61745260, ClinGen allele CA1861488.

ClinVar aggregate classification (germline): Benign (0 of 4 stars; one submission).

Conditions:
MYO7B-related disorder. Also called: MYO7B-related condition.

Allele frequency attached by ClinVar (database versions not stated): gnomAD exomes 0.00078; ExAC 0.00275; ESP Exome Variant Server 0.00598; gnomAD 0.00642; TOPMed 0.00733; 1000 Genomes Project 0.00859; 1000 Genomes Project 30x 0.00968.
gnomAD v4.1: 2,116 of 1,551,778 alleles (0.14%); highest among the groups gnomAD compares: African/African-American, 2.3%; 21 homozygotes.

Submission:

PreventionGenetics, part of Exact Sciences
Classification: Benign for MYO7B-related condition. Last evaluated: 2019-02-20. Review status: no assertion criteria provided. Collection method: clinical testing. Allele origin: germline.
Comment: This variant is classified as benign based on ACMG/AMP sequence variant interpretation guidelines (Richards et al. 2015 PMID: 25741868, with internal and published modifications).